The following is an entry in ClinVar:

ClinVar aggregate classification (germline): Likely pathogenic (1 of 4 stars; one submission).

Submission:

GeneDx
Classification: Likely pathogenic. Last evaluated: 2024-08-15. Review status: criteria provided, single submitter. Criteria: GeneDx Variant Classification Process June 2021. Collection method: clinical testing. Allele origin: germline. Affected: yes.
Comment: Not observed at significant frequency in large population cohorts (gnomAD); Nonsense variant predicted to result in protein truncation as the last 104 amino acids are lost, although loss-of-function variants have not been reported downstream of this position in the protein; This variant is associated with the following publications: (PMID: 33232675)

NM_001394372.1(BICRA):c.4369C>T (p.Gln1457Ter)

Gene: BICRA (BRD4 interacting chromatin remodeling complex associated protein; plus strand). Cytogenetic location: 19q13.33.
Variant type: single nucleotide variant.
Coding change: c.4369C>T on transcript NM_001394372.1 (MANE Select); coding-DNA position 4369, C replaced by T.
Protein change: p.Gln1457Ter; replaces glutamine 1457 with a stop codon.
Molecular consequence: nonsense.
Genome position (GRCh38, 1-based): chr19:47,702,101, C>T. VCF-style: chr19-47702101-C-T. GRCh37 (hg19) VCF-style: chr19-48205358-C-T.
Other names: c.4369C>T, p.Gln1457Ter (NM_015711.3); short protein forms Q1457*.
Identifiers: ClinVar variation 3730854 (VCV003730854.1).